The following is an entry in ClinVar:

ClinVar aggregate classification (germline): Likely pathogenic (1 of 4 stars; one submission).

Conditions:
Combined immunodeficiency due to DOCK8 deficiency (HIES2). Also called: HIES autosomal recessive; DOCK8 Deficiency; Hyper-IgE recurrent infection syndrome, autosomal recessive; HYPER-IgE RECURRENT INFECTION SYNDROME 2, AUTOSOMAL RECESSIVE; HYPER-IgE SYNDROME 2, AUTOSOMAL RECESSIVE, WITH RECURRENT INFECTIONS. Identifiers: Orphanet 217390, MedGen C4722305, MONDO:0009478, OMIM 243700.

Allele frequency attached by ClinVar (database versions not stated): gnomAD 0.00001.
gnomAD v4.1: 1 of 1,613,606 alleles (0.000062%); highest among the groups gnomAD compares: Admixed American, 0.0017%; no homozygotes.

Submission:

Labcorp Genetics (formerly Invitae), Labcorp
Classification: Likely pathogenic for Combined immunodeficiency due to DOCK8 deficiency. Last evaluated: 2022-03-19. Review status: criteria provided, single submitter. Criteria: Invitae Variant Classification Sherloc (09022015). Collection method: clinical testing. Allele origin: germline.
Comment: This sequence change affects a donor splice site in intron 16 of the DOCK8 gene. It is expected to disrupt RNA splicing. Variants that disrupt the donor or acceptor splice site typically lead to a loss of protein function (PMID: 16199547), and loss-of-function variants in DOCK8 are known to be pathogenic (PMID: 14722525, 19776401). This variant is not present in population databases (gnomAD no frequency). This variant has not been reported in the literature in individuals affected with DOCK8-related conditions. Algorithms developed to predict the effect of sequence changes on RNA splicing suggest that this variant may disrupt the consensus splice site. In summary, the currently available evidence indicates that the variant is pathogenic, but additional data are needed to prove that conclusively. Therefore, this variant has been classified as Likely Pathogenic.

Literature cited by the submitters: PubMed 16199547; PubMed 14722525; PubMed 19776401.

NM_203447.4(DOCK8):c.1868+1G>A

Gene: DOCK8 (dedicator of cytokinesis 8; plus strand). Cytogenetic location: 9p24.3.
Variant type: single nucleotide variant.
Coding change: c.1868+1G>A on transcript NM_203447.4 (MANE Select); the canonical splice donor site of the intron after coding-DNA position 1868, G replaced by A.
Molecular consequence: splice donor variant.
Genome position (GRCh38, 1-based): chr9:370,301, G>A. VCF-style: chr9-370301-G-A. GRCh37 (hg19) VCF-style: chr9-370301-G-A.
Other names: c.1664+1G>A (NM_001193536.2, NM_001190458.2).
Identifiers: ClinVar variation 2177449 (VCV002177449.4), dbSNP rs2053227203, ClinGen allele CA372761101.